The following is an entry in ClinVar:

NM_006516.4(SLC2A1):c.1348T>G (p.Phe450Val)

Gene: SLC2A1 (solute carrier family 2 member 1; minus strand). Cytogenetic location: 1p34.2.
Variant type: single nucleotide variant.
Coding change: c.1348T>G on transcript NM_006516.4 (MANE Select); coding-DNA position 1348, T replaced by G.
Protein change: p.Phe450Val; replaces phenylalanine 450 with valine.
Molecular consequence: missense variant.
Genome position (GRCh38, 1-based): chr1:42,927,172, A>C on the plus strand (T>G on the coding strand, the complement: SLC2A1 is on the minus strand). VCF-style: chr1-42927172-A-C. GRCh37 (hg19) VCF-style: chr1-43392843-A-C.
Other names: short protein forms F450V.
Identifiers: ClinVar variation 2799485 (VCV002799485.3), dbSNP rs1216296247, ClinGen allele CA339953246.

ClinVar aggregate classification (germline): Uncertain significance (1 of 4 stars; one submission).

Conditions:
GLUT1 deficiency syndrome 1, autosomal recessive. Identifiers: MedGen C3149117.

Submission:

Labcorp Genetics (formerly Invitae), Labcorp
Classification: Uncertain significance for GLUT1 deficiency syndrome 1, autosomal recessive. Last evaluated: 2023-11-27. Review status: criteria provided, single submitter. Criteria: Invitae Variant Classification Sherloc (09022015). Collection method: clinical testing. Allele origin: germline.
Comment: This sequence change replaces phenylalanine, which is neutral and non-polar, with valine, which is neutral and non-polar, at codon 450 of the SLC2A1 protein (p.Phe450Val). This variant is not present in population databases (gnomAD no frequency). This variant has not been reported in the literature in individuals affected with SLC2A1-related conditions. Advanced modeling of protein sequence and biophysical properties (such as structural, functional, and spatial information, amino acid conservation, physicochemical variation, residue mobility, and thermodynamic stability) has been performed at Invitae for this missense variant, however the output from this modeling did not meet the statistical confidence thresholds required to predict the impact of this variant on SLC2A1 protein function. In summary, the available evidence is currently insufficient to determine the role of this variant in disease. Therefore, it has been classified as a Variant of Uncertain Significance.